The following is an entry in ClinVar:

NM_000352.6(ABCC8):c.2022T>C (p.Ala674=)

Gene: ABCC8 (ATP binding cassette subfamily C member 8; minus strand). Cytogenetic location: 11p15.1.
Variant type: single nucleotide variant.
Coding change: c.2022T>C on transcript NM_000352.6 (MANE Select); coding-DNA position 2022, T replaced by C.
Protein change: p.Ala674=; no amino-acid change (alanine 674 retained).
Molecular consequence: synonymous variant. On other transcripts: non-coding transcript variant (1).
Genome position (GRCh38, 1-based): chr11:17,428,307, A>G on the plus strand (T>C on the coding strand, the complement: ABCC8 is on the minus strand). VCF-style: chr11-17428307-A-G. GRCh37 (hg19) VCF-style: chr11-17449854-A-G.
Other names: c.2022T>C, p.Ala674= (NM_001287174.3); c.2088T>C, p.Ala696= (NM_001351295.2); c.2019T>C, p.Ala673= (NM_001351296.2, NM_001351297.2).
Identifiers: ClinVar variation 753254 (VCV000753254.9), dbSNP rs371724951, ClinGen allele CA218441369.

ClinVar aggregate classification (germline): Conflicting classifications of pathogenicity. Review status: criteria provided, conflicting classifications (1 of 4 stars). 3 submissions from 2 submitters: Uncertain significance (2); Likely benign (1). Last evaluated 2024-01-31.

Conditions:
Transitory neonatal diabetes mellitus. Also called: Transient neonatal diabetes mellitus. Identifiers: MedGen C0342273, MONDO:0020525, HP:0008255.
Maturity-onset diabetes of the young (MODY). Also called: Maturity onset diabetes mellitus in young. Identifiers: Orphanet 552, MedGen C0342276, MONDO:0018911, HP:0004904.

Allele frequency attached by ClinVar (database versions not stated): gnomAD exomes 0.00002; ESP Exome Variant Server 0.00008; gnomAD 0.00001; TOPMed 0.00001.
gnomAD v4.1: 33 of 1,614,062 alleles (0.002%); highest among the groups gnomAD compares: Non-Finnish European, 0.0028%; no homozygotes.

Submissions (3):

Labcorp Genetics (formerly Invitae), Labcorp
Classification: Likely benign. Last evaluated: 2024-01-31. Review status: criteria provided, single submitter. Criteria: Invitae Variant Classification Sherloc (09022015). Collection method: clinical testing. Allele origin: germline.

Clinical Genomics, Uppaluri K&H Personalized Medicine Clinic
Classification: Uncertain significance for Maturity-onset diabetes of the young. Review status: criteria provided, single submitter. Criteria: K & H Uppaluri Personalized Medicine Clinic Variant Classification & Assertion Criteria_Updated V.1. Collection method: research. Allele origin: unknown. Inheritance: Somatic mutation.
Comment: Mutations in ABCC8 gene are associated with both neonatal diabetes mellitus as well as MODY. Patients with this mutation may have a better response to sulfonylureas. However, no sufficient evidence is found to ascertain the role of this particular variant (rs371724951) in MODY yet.

Clinical Genomics, Uppaluri K&H Personalized Medicine Clinic
Classification: Uncertain significance for Transitory neonatal diabetes mellitus. Review status: criteria provided, single submitter. Criteria: K & H Uppaluri Personalized Medicine Clinic Variant Classification & Assertion Criteria_Updated V.1. Collection method: research. Allele origin: unknown. Inheritance: Somatic mutation.
Comment: Mutations in ABCC8 gene are associated with both neonatal diabetes mellitus as well as MODY. Patients with this mutation may have a better response to sulfonylureas. However, no sufficient evidence is found to ascertain the role of this particular variant (rs371724951) in neonatal diabetes yet.

Literature cited by the submitters: PubMed 16885549 (cited by Clinical Genomics, Uppaluri K&H Personalized Medicine Clinic); PubMed 21989597 (cited by Clinical Genomics, Uppaluri K&H Personalized Medicine Clinic); PubMed 27538677 (cited by Clinical Genomics, Uppaluri K&H Personalized Medicine Clinic); PubMed 18981553 (cited by Clinical Genomics, Uppaluri K&H Personalized Medicine Clinic); PubMed 32027066 (cited by Clinical Genomics, Uppaluri K&H Personalized Medicine Clinic); PubMed 16613899 (cited by Clinical Genomics, Uppaluri K&H Personalized Medicine Clinic); PubMed 18025408 (cited by Clinical Genomics, Uppaluri K&H Personalized Medicine Clinic); PubMed 32792356 (cited by Clinical Genomics, Uppaluri K&H Personalized Medicine Clinic).